The following is an entry in ClinVar:

ClinVar aggregate classification (germline): Uncertain significance (1 of 4 stars; one submission).

Allele frequency attached by ClinVar (database versions not stated): gnomAD exomes below 0.00001.
gnomAD v4.1: 2 of 1,614,218 alleles (0.00012%); highest among the groups gnomAD compares: Non-Finnish European, 0.00017%; no homozygotes.

Submission:

Labcorp Genetics (formerly Invitae), Labcorp
Classification: Uncertain significance. Last evaluated: 2025-06-20. Review status: criteria provided, single submitter. Criteria: Invitae Variant Classification Sherloc (09022015). Collection method: clinical testing. Allele origin: germline.
Comment: This sequence change replaces alanine, which is neutral and non-polar, with threonine, which is neutral and polar, at codon 406 of the PRKN protein (p.Ala406Thr). This variant is not present in population databases (gnomAD no frequency). This variant has not been reported in the literature in individuals affected with PRKN-related conditions. ClinVar contains an entry for this variant (Variation ID: 2190490). Invitae Evidence Modeling of protein sequence and biophysical properties (such as structural, functional, and spatial information, amino acid conservation, physicochemical variation, residue mobility, and thermodynamic stability) indicates that this missense variant is expected to disrupt PRKN protein function with a positive predictive value of 80%. In summary, the available evidence is currently insufficient to determine the role of this variant in disease. Therefore, it has been classified as a Variant of Uncertain Significance.

NM_004562.3(PRKN):c.1216G>A (p.Ala406Thr)

Gene: PRKN (parkin RBR E3 ubiquitin protein ligase; minus strand). Cytogenetic location: 6q26.
Variant type: single nucleotide variant.
Coding change: c.1216G>A on transcript NM_004562.3 (MANE Select); coding-DNA position 1216, G replaced by A.
Protein change: p.Ala406Thr; replaces alanine 406 with threonine.
Molecular consequence: missense variant.
Genome position (GRCh38, 1-based): chr6:161,360,157, C>T on the plus strand (G>A on the coding strand, the complement: PRKN is on the minus strand). VCF-style: chr6-161360157-C-T. GRCh37 (hg19) VCF-style: chr6-161781189-C-T.
Other names: c.1132G>A, p.Ala378Thr (NM_013987.3); c.769G>A, p.Ala257Thr (NM_013988.3); short protein forms A378T, A406T, A257T.
Identifiers: ClinVar variation 2190490 (VCV002190490.4), dbSNP rs2114859634, ClinGen allele CA366456542.